The following is an entry in ClinVar:

ClinVar aggregate classification (germline): Pathogenic (1 of 4 stars; one submission).

Conditions:
Desmosterolosis. Identifiers: Orphanet 35107, MedGen C1865596, MONDO:0011217, OMIM 602398.

gnomAD v4.1: 6 of 1,614,058 alleles (0.00037%); highest among the groups gnomAD compares: Admixed American, 0.0033%; no homozygotes.

Submission:

Cellular and Molecular Research Center, Cellular and Molecular Medicine Research Institute,, Urmia University of Medical Sciences
Classification: Pathogenic for Desmosterolosis. Last evaluated: 2026-10-14. Review status: criteria provided, single submitter. Criteria: ACMG Guidelines, 2015. Collection method: clinical testing. Allele origin: germline. Inheritance: Autosomal recessive inheritance. Affected: yes. Observed: 1 variant allele, 1 homozygote.
Comment: The DHCR24 gene (OMIM: 606418), located on chromosome 1p31.1, encodes 24-dehydrocholesterol reductase, an FAD-dependent enzyme involved in the final step of cholesterol biosynthesis. It catalyses the conversion of desmosterol into cholesterol by reducing the Δ24 double bond of sterol intermediates. Delivery was difficult and complicated by asphyxia. Birth weight was 3200 g, length 50 cm, and head circumference 36 cm. Speech is limited to a few words. EEG was normal. At the last examination, head circumference was 53 cm (10th centile). Molecular characterization of c.1123C>T: This variant represents a single-nucleotide substitution in which cytosine (C) is replaced by thymine (T) at coding DNA position 1123. It is classified as a C-to-T transition, involving the replacement of one pyrimidine nucleotide with another. Sequence analysis of NM_014762.3 indicates that this substitution changes codon 375 from CGC to TGC, resulting in the amino acid substitution p.(Arg375Cys). Therefore, it is a missense variant. Genetic testing identified a homozygous missense variant in DHCR24 (NM_014762.4:exon7:c.1123C>T, p.Arg375Cys; rs776651391; chr1:54854132). The variant is not listed in ClinVar; InterVar classifies it as likely pathogenic, whereas VarSome classifies it as a variant of uncertain significance. Given the appropriate segregation in the family and the compatible neurodevelopmental phenotype, this study supports a "pathogenic" classification.

Literature cited by the submitters: PubMed 41500862.

NM_014762.4(DHCR24):c.1123C>T (p.Arg375Cys)

Gene: DHCR24 (24-dehydrocholesterol reductase; minus strand). Cytogenetic location: 1p32.3.
Variant type: single nucleotide variant.
Coding change: c.1123C>T on transcript NM_014762.4 (MANE Select); coding-DNA position 1123, C replaced by T.
Protein change: p.Arg375Cys; replaces arginine 375 with cysteine.
Molecular consequence: missense variant.
Genome position (GRCh38, 1-based): chr1:54,854,132, G>A on the plus strand (C>T on the coding strand, the complement: DHCR24 is on the minus strand). VCF-style: chr1-54854132-G-A. GRCh37 (hg19) VCF-style: chr1-55319805-G-A.
Other names: short protein forms R375C.
Identifiers: ClinVar variation 5042068 (VCV005042068.1).